The following is an entry in ClinVar:

NM_001042492.3(NF1):c.109G>A (p.Glu37Lys)

Gene: NF1 (neurofibromin 1; plus strand). Cytogenetic location: 17q11.2.
Variant type: single nucleotide variant.
Coding change: c.109G>A on transcript NM_001042492.3 (MANE Select); coding-DNA position 109, G replaced by A.
Protein change: p.Glu37Lys; replaces glutamic acid 37 with lysine.
Molecular consequence: missense variant.
Genome position (GRCh38, 1-based): chr17:31,156,031, G>A. VCF-style: chr17-31156031-G-A. GRCh37 (hg19) VCF-style: chr17-29483049-G-A.
Other names: c.109G>A, p.Glu37Lys (NM_000267.4, NM_001128147.3); short protein forms E37K.
Identifiers: ClinVar variation 1056629 (VCV001056629.5), dbSNP rs2143625963, ClinGen allele CA398988279.

ClinVar aggregate classification (germline): Uncertain significance (1 of 4 stars; one submission).

Conditions:
Neurofibromatosis, type 1 (NF1). Also called: NEUROFIBROMATOSIS, TYPE I, SOMATIC; Neurofibromatosis, type I; VON RECKLINGHAUSEN DISEASE; Peripheral type neurofibromatosis. Identifiers: Orphanet 636, MedGen C0027831, MONDO:0018975, OMIM 162200. Disease mechanism: loss of function.

Submission:

Labcorp Genetics (formerly Invitae), Labcorp
Classification: Uncertain significance for Neurofibromatosis, type 1. Last evaluated: 2020-10-08. Review status: criteria provided, single submitter. Criteria: Invitae Variant Classification Sherloc (09022015). Collection method: clinical testing. Allele origin: germline.
Comment: In summary, the available evidence is currently insufficient to determine the role of this variant in disease. Therefore, it has been classified as a Variant of Uncertain Significance. Advanced modeling of protein sequence and biophysical properties (such as structural, functional, and spatial information, amino acid conservation, physicochemical variation, residue mobility, and thermodynamic stability) performed at Invitae indicates that this missense variant is not expected to disrupt NF1 protein function. This variant has not been reported in the literature in individuals with NF1-related conditions. This variant is not present in population databases (ExAC no frequency). This sequence change replaces glutamic acid with lysine at codon 37 of the NF1 protein (p.Glu37Lys). The glutamic acid residue is highly conserved and there is a small physicochemical difference between glutamic acid and lysine.